The following is an entry in ClinVar:

NM_001258392.3(CLPB):c.48_59dup (p.Leu21_Arg22insLeuArgLeuLeu)

Genes: CLPB (ClpB family mitochondrial disaggregase; minus strand), LOC130006336 (ATAC-STARR-seq lymphoblastoid active region 5191; plus strand). Cytogenetic location: 11q13.4.
Variant type: Duplication.
Coding change: c.48_59dup on transcript NM_001258392.3 (MANE Select); coding-DNA positions 48 to 59, 12 bases duplicated (ACTCCTCCGGCT).
Protein change: p.Leu21_Arg22insLeuArgLeuLeu.
Molecular consequence: 5 prime UTR variant (on NM_001258394.3).
Genome position (GRCh38, 1-based): chr11:72,434,416-72,434,427, AGCCGGAGGAGT duplicated on the plus strand (ACTCCTCCGGCT on the coding strand, the reverse complement: CLPB is on the minus strand); duplicating any 12 consecutive bases within chr11:72,434,416-72,434,432 gives the same sequence; the c. name uses the placement nearest the transcript's 3' end. VCF-style (leftmost placement, unchanged base first): chr11-72434415-C-CAGCCGGAGGAGT. GRCh37 (hg19) VCF-style: chr11-72145459-C-CAGCCGGAGGAGT.
Other names: c.48_59dup, p.Leu21_Arg22insLeuArgLeuLeu (NM_001258393.3, NM_030813.6); c.-195_-184dup (NM_001258394.3).
Identifiers: ClinVar variation 3897138 (VCV003897138.1).

ClinVar aggregate classification (germline): Uncertain significance (1 of 4 stars; one submission).

Submission:

GeneDx
Classification: Uncertain significance. Last evaluated: 2024-11-04. Review status: criteria provided, single submitter. Criteria: GeneDx Variant Classification Process June 2021. Collection method: clinical testing. Allele origin: germline. Affected: yes.
Comment: In-frame duplication of 4 amino acid(s) in a non-repeat region; Not observed at significant frequency in large population cohorts (gnomAD); Has not been previously published as pathogenic or benign to our knowledge